The following is an entry in ClinVar:

NM_001267550.2(TTN):c.32869G>A (p.Glu10957Lys)

Gene: TTN (titin; minus strand). Cytogenetic location: 2q31.2.
Variant type: single nucleotide variant.
Coding change: c.32869G>A on transcript NM_001267550.2 (MANE Select); coding-DNA position 32869, G replaced by A.
Protein change: p.Glu10957Lys; replaces glutamic acid 10957 with lysine.
Molecular consequence: missense variant. On other transcripts: intron variant (3).
Genome position (GRCh38, 1-based): chr2:178,683,229, C>T on the plus strand (G>A on the coding strand, the complement: TTN is on the minus strand). VCF-style: chr2-178683229-C-T. GRCh37 (hg19) VCF-style: chr2-179547956-C-T.
Other names: c.31918G>A, p.Glu10640Lys (NM_001256850.1); c.29137G>A, p.Glu9713Lys (NM_133378.4); c.13283-40912G>A (NM_003319.4); c.13859-40912G>A (NM_133437.4); c.13658-40912G>A (NM_133432.3); short protein forms E10957K, E10640K, E9713K.
Identifiers: ClinVar variation 4999842 (VCV004999842.1).
Genomic context (GRCh38, chr2:178,683,229, plus strand): 5'-ATAGTTTCATGCCTCACATTACTTAATCAAAGTTCAATATACCTTTGATGGGTTGAGGTT[C>T]TCTTTTTGGAGCTTCAATTGATACTTTTTCTTCTTTAACCACTCTTTTTCTGAATTCAGT-3'
Protein context (NP_001254479.2, residues 10947-10967): EKVSIEAPKR[Glu10957Lys]PQPIKEVTIM

ClinVar aggregate classification (germline): Uncertain significance (1 of 4 stars; one submission).

Conditions:
TTN-related disorder. Also called: TTN-related disorders; TTN-related condition; TTN-related disease.

gnomAD v4.1: 3 of 1,552,402 alleles (0.00019%); highest among the groups gnomAD compares: Admixed American, 0.0039%; no homozygotes.

Submission:

PreventionGenetics, part of Exact Sciences
Classification: Uncertain significance for TTN-related condition. Last evaluated: 2026-03-06. Review status: criteria provided, single submitter. Criteria: ACMG Guidelines, 2015. Collection method: clinical testing. Allele origin: germline.
Comment: The TTN c.32869G>A variant is predicted to result in the amino acid substitution p.Glu10957Lys. To our knowledge, this variant has not been reported in the literature. This variant is reported in 0.0080% of alleles in individuals of Latino descent in gnomAD. At this time, the clinical significance of this variant is uncertain due to the absence of conclusive functional and genetic evidence.